The following is an entry in ClinVar:

ClinVar aggregate classification (germline): Conflicting classifications of pathogenicity. Review status: no assertion criteria provided (0 of 4 stars). 3 submissions from 3 submitters: Uncertain significance (1); Benign (1); Likely benign (1). Last evaluated 2024-08-31.

Conditions:
POLR3B-related disorder. Also called: POLR3B-related condition; POLR3B-related disorders. Identifiers: MedGen CN378588, MONDO:0700277.

Submissions (3):

PreventionGenetics, part of Exact Sciences
Classification: Uncertain significance for POLR3B-related condition. Last evaluated: 2024-08-31. Review status: no assertion criteria provided. Collection method: clinical testing. Allele origin: germline.
Comment: The POLR3B c.1105_1106dupTT variant is predicted to result in a frameshift and premature protein termination (p.Leu369Phefs*17). To our knowledge, this variant has not been reported in the literature. This variant is reported in 0.054% of alleles in individuals of European (Finnish) descent in gnomAD. Although we suspect that this variant may be pathogenic, at this time, the clinical significance of this variant is uncertain due to the absence of conclusive functional and genetic evidence.

Clinical Genetics DNA and cytogenetics Diagnostics Lab, Erasmus MC, Erasmus Medical Center
Classification: Benign. Review status: no assertion criteria provided. Collection method: clinical testing. Allele origin: germline. Affected: yes. Study: VKGL Data-share Consensus.

Laboratory of Diagnostic Genome Analysis, Leiden University Medical Center (LUMC)
Classification: Likely benign. Review status: no assertion criteria provided. Collection method: clinical testing. Allele origin: germline. Affected: yes. Study: VKGL Data-share Consensus.

NM_018082.6(POLR3B):c.1105_1106dup (p.Leu369fs)

Gene: POLR3B (RNA polymerase III subunit B; plus strand). Cytogenetic location: 12q23.3.
Variant type: Duplication.
Coding change: c.1105_1106dup on transcript NM_018082.6 (MANE Select); coding-DNA positions 1105 to 1106, 2 bases duplicated (TT; older notation c.1105_1106dupTT).
Protein change: p.Leu369fs; shifts the reading frame from leucine 369.
Molecular consequence: frameshift variant.
Genome position (GRCh38, 1-based): chr12:106,427,200-106,427,201, TT duplicated; duplicating any 2 consecutive bases within chr12:106,427,198-106,427,201 gives the same sequence; the c. name uses the placement nearest the transcript's 3' end. VCF-style (leftmost placement, unchanged base first): chr12-106427197-C-CTT. GRCh37 (hg19) VCF-style: chr12-106820975-C-CTT.
Other names: c.931_932dup, p.Leu311fs (NM_001160708.2); c.1105_1106dupTT (NM_018082.5); short protein forms L311fs, L369fs.
Identifiers: ClinVar variation 1206239 (VCV001206239.3), dbSNP rs2136999020, ClinGen allele CA607599705.
Genomic context (GRCh38, chr12:106,427,197, plus strand): 5'-TTAAAATAATCTAGCAATGCTTTTTGAAAAATCACCATATACCTTTTTTTTTTTTTTTAG[C>CTT]TTTTATCTCTTCTTTTTGAAGACTTGTTCAAAAAATTTAATTCTGAAATGAAAAAGATTG-3'